The following is an entry in ClinVar:

NM_001142864.4(PIEZO1):c.3297C>T (p.Leu1099=)

Gene: PIEZO1 (piezo type mechanosensitive ion channel component 1 (Er blood group); minus strand). Cytogenetic location: 16q24.3.
Variant type: single nucleotide variant.
Coding change: c.3297C>T on transcript NM_001142864.4 (MANE Select); coding-DNA position 3297, C replaced by T.
Protein change: p.Leu1099=; no amino-acid change (leucine 1099 retained).
Molecular consequence: synonymous variant.
Genome position (GRCh38, 1-based): chr16:88,727,561, G>A on the plus strand (C>T on the coding strand, the complement: PIEZO1 is on the minus strand). VCF-style: chr16-88727561-G-A. GRCh37 (hg19) VCF-style: chr16-88793969-G-A.
Other names: p.Leu1099=.
Identifiers: ClinVar variation 4684146 (VCV004684146.1).

ClinVar aggregate classification (germline): Likely benign (1 of 4 stars; one submission).

gnomAD v4.1: 3 of 1,419,794 alleles (0.00021%); highest among the groups gnomAD compares: Non-Finnish European, 0.00029%; no homozygotes.

Submission:

Mayo Clinic Laboratories, Mayo Clinic
Classification: Likely benign. Last evaluated: 2025-02-26. Review status: criteria provided, single submitter. Criteria: ACMG Guidelines, 2015. Collection method: clinical testing. Allele origin: germline. Observed: 1 variant allele.
Comment: BP4, BP7, PM2_supporting